The following is an entry in ClinVar:

ClinVar aggregate classification (germline): Likely benign. Review status: criteria provided, multiple submitters, no conflicts (2 of 4 stars). 2 submissions from 2 submitters: Likely benign (2). Last evaluated 2025-06-06.

Conditions:
PCNT-related disorder. Also called: PCNT-related condition.

Allele frequency attached by ClinVar (database versions not stated): gnomAD exomes 0.00001 and 0.00004; gnomAD 0.00003 and 0.00004; TOPMed 0.00004.
gnomAD v4.1: 57 of 1,610,924 alleles (0.0035%); highest among the groups gnomAD compares: Non-Finnish European, 0.0046%; no homozygotes.

Submissions (2):

PreventionGenetics, part of Exact Sciences
Classification: Likely benign for PCNT-related condition. Last evaluated: 2025-06-06. Review status: criteria provided, single submitter. Criteria: ACMG Guidelines, 2015. Collection method: clinical testing. Allele origin: germline.
Comment: This variant is classified as likely benign based on ACMG/AMP sequence variant interpretation guidelines (Richards et al. 2015 PMID: 25741868, with internal and published modifications).

Labcorp Genetics (formerly Invitae), Labcorp
Classification: Likely benign. Last evaluated: 2024-08-12. Review status: criteria provided, single submitter. Criteria: Invitae Variant Classification Sherloc (09022015). Collection method: clinical testing. Allele origin: germline.

NM_006031.6(PCNT):c.48G>A (p.Arg16=)

Gene: PCNT (pericentrin; plus strand). Cytogenetic location: 21q22.3.
Variant type: single nucleotide variant.
Coding change: c.48G>A on transcript NM_006031.6 (MANE Select); coding-DNA position 48, G replaced by A.
Protein change: p.Arg16=; no amino-acid change (arginine 16 retained).
Molecular consequence: synonymous variant.
Genome position (GRCh38, 1-based): chr21:46,324,276, G>A. VCF-style: chr21-46324276-G-A. GRCh37 (hg19) VCF-style: chr21-47744190-G-A.
Other names: c.48G>A (NM_006031.5).
Identifiers: ClinVar variation 1629998 (VCV001629998.9), dbSNP rs778757744, ClinGen allele CA10078093.